The following is an entry in ClinVar:

NM_001250.6(CD40):c.606C>T (p.Phe202=)

Gene: CD40 (CD40 molecule; plus strand). Cytogenetic location: 20q13.12.
Variant type: single nucleotide variant.
Coding change: c.606C>T on transcript NM_001250.6 (MANE Select); coding-DNA position 606, C replaced by T.
Protein change: p.Phe202=; no amino-acid change (phenylalanine 202 retained).
Molecular consequence: synonymous variant. On other transcripts: missense variant (2), non-coding transcript variant (2).
Genome position (GRCh38, 1-based): chr20:46,128,184, C>T. VCF-style: chr20-46128184-C-T. GRCh37 (hg19) VCF-style: chr20-44756823-C-T.
Other names: p.Phe202=; c.646C>T, p.Arg216Trp (NM_001302753.2); c.606C>T, p.Phe202= (NM_001322421.2, NM_001362758.2); c.450C>T, p.Phe150= (NM_001322422.2); c.544C>T, p.Arg182Trp (NM_152854.4); short protein forms R216W, R182W.
Identifiers: ClinVar variation 338574 (VCV000338574.24), dbSNP rs7273698, ClinGen allele CA9888528.

ClinVar aggregate classification (germline): Benign. Review status: criteria provided, multiple submitters, no conflicts (2 of 4 stars). 5 submissions from 5 submitters: Benign (5). Last evaluated 2026-02-04.

Conditions:
Hyper-IgM syndrome type 3. Also called: Hyper-IgM Immunodeficiency Syndrome, Type 3. Identifiers: Orphanet 101090, MedGen C1720957, MONDO:0011735, OMIM 606843.

Allele frequency attached by ClinVar (database versions not stated): gnomAD exomes 0.00418 and 0.01076; ExAC 0.01312; gnomAD 0.04009 and 0.04254; ESP Exome Variant Server 0.04513; TOPMed 0.04524; 1000 Genomes Project 0.04712; 1000 Genomes Project 30x 0.05075.
gnomAD v4.1: 12,406 of 1,611,624 alleles (0.77%); highest among the groups gnomAD compares: African/African-American, 14%; 746 homozygotes.

Submissions (5):

Labcorp Genetics (formerly Invitae), Labcorp
Classification: Benign. Last evaluated: 2026-02-04. Review status: criteria provided, single submitter. Criteria: Invitae Variant Classification Sherloc (09022015). Collection method: clinical testing. Allele origin: germline.

ARUP Laboratories, Molecular Genetics and Genomics, ARUP Laboratories
Classification: Benign for Hyper-IgM syndrome type 3. Last evaluated: 2024-08-07. Review status: criteria provided, single submitter. Criteria: ARUP Molecular Germline Variant Investigation Process 2024. Collection method: clinical testing. Allele origin: germline.

Illumina Laboratory Services, Illumina
Classification: Benign for Hyper-IgM syndrome type 3. Last evaluated: 2018-01-12. Review status: criteria provided, single submitter. Criteria: ICSL Variant Classification Criteria 13 December 2019. Collection method: clinical testing. Allele origin: germline.
Comment: This variant was observed in the ICSL laboratory as part of a predisposition screen in an ostensibly healthy population. It had not been previously curated by ICSL or reported in the Human Gene Mutation Database (HGMD: prior to June 1st, 2018), and was therefore a candidate for classification through an automated scoring system. Utilizing variant allele frequency, disease prevalence and penetrance estimates, and inheritance mode, an automated score was calculated to assess if this variant is too frequent to cause the disease. Based on the score and internal cut-off values, a variant classified as benign is not then subjected to further curation. The score for this variant resulted in a classification of benign for this disease.

Mayo Clinic Laboratories, Mayo Clinic
Classification: Benign. Last evaluated: 2016-10-06. Review status: criteria provided, single submitter. Criteria: ACMG Guidelines, 2015. Collection method: clinical testing. Allele origin: germline. Observed: 4 variant alleles.

Breakthrough Genomics
Classification: Benign. Review status: criteria provided, single submitter. Criteria: ACMG Guidelines, 2015. Collection method: not provided. Allele origin: germline. Inheritance: Autosomal recessive inheritance. Affected: yes.